The following is an entry in ClinVar:

ClinVar aggregate classification (germline): Likely benign. Review status: criteria provided, multiple submitters, no conflicts (2 of 4 stars). 6 submissions from 4 submitters: Likely benign (6). Last evaluated 2026-08-07.

Conditions:
Autosomal dominant nonsyndromic hearing loss 3A. Identifiers: Orphanet 90635, MedGen C2675750, MONDO:0011103, OMIM 601544.
Autosomal recessive nonsyndromic hearing loss 1A (DFNB1A). Also called: GJB6-Related DFNB 1 Nonsyndromic Hearing Loss and Deafness; Deafness, autosomal recessive 1A; Connexin 26 deafness; Deafness nonsyndromic, Connexin 26 linked; Nonsyndromic Hearing Loss and Deafness, DFNB1; GJB2-Related Autosomal Recessive Nonsyndromic Hearing Loss. Identifiers: Orphanet 90636, MedGen C2673759, MONDO:0009076, OMIM 220290.
GJB2-related disorder. Also called: GJB2-related condition; GJB2-related disorders. Identifiers: MedGen CN382183, MONDO:1060236.
Ichthyosis, hystrix-like, with hearing loss. Also called: Hystrix-like ichthyosis with deafness. Identifiers: Orphanet 477, MedGen C1865234, MONDO:0011245.

Allele frequency attached by ClinVar (database versions not stated): gnomAD exomes 0.00001 and 0.00002; TOPMed 0.00001; gnomAD 0.00001; ExAC 0.00003.

Submissions (6):

PreventionGenetics, part of Exact Sciences
Classification: Likely benign for GJB2-related condition. Last evaluated: 2026-08-07. Review status: criteria provided, single submitter. Criteria: ACMG Guidelines, 2015. Collection method: clinical testing. Allele origin: germline.
Comment: This variant is classified as likely benign based on ACMG/AMP sequence variant interpretation guidelines (Richards et al. 2015 PMID: 25741868, with internal and published modifications).

Labcorp Genetics (formerly Invitae), Labcorp
Classification: Likely benign. Last evaluated: 2024-03-02. Review status: criteria provided, single submitter. Criteria: Invitae Variant Classification Sherloc (09022015). Collection method: clinical testing. Allele origin: germline.

Athena Diagnostics
Classification: Likely benign. Last evaluated: 2020-03-27. Review status: criteria provided, single submitter. Criteria: Athena Diagnostics Criteria. Collection method: clinical testing. Allele origin: unknown.

Illumina Laboratory Services, Illumina
Classification: Likely benign for Autosomal dominant nonsyndromic hearing loss 3A. Last evaluated: 2017-04-27. Review status: criteria provided, single submitter. Criteria: ICSL Variant Classification Criteria 13 December 2019. Collection method: clinical testing. Allele origin: germline.
Comment: This variant was observed as part of a predisposition screen in an ostensibly healthy population. A literature search was performed for the gene, cDNA change, and amino acid change (where applicable). No publications were found based on this search. Allele frequency data from public databases allowed determination this variant is unlikely to cause disease. Therefore, this variant is classified as likely benign.

Illumina Laboratory Services, Illumina
Classification: Likely benign for Autosomal dominant keratitis-ichthyosis-hearing loss syndrome. Last evaluated: 2017-04-27. Review status: criteria provided, single submitter. Criteria: ICSL Variant Classification Criteria 13 December 2019. Collection method: clinical testing. Allele origin: germline.
Comment: the same text as in the submission from Illumina Laboratory Services, Illumina above.

Illumina Laboratory Services, Illumina
Classification: Likely benign for Autosomal recessive nonsyndromic hearing loss 1A. Last evaluated: 2017-04-27. Review status: criteria provided, single submitter. Criteria: ICSL Variant Classification Criteria 13 December 2019. Collection method: clinical testing. Allele origin: germline.
Comment: This variant was observed as part of a predisposition screen in an ostensibly healthy population. A literature search was performed for the gene, cDNA change, and amino acid change (where applicable). Publications were found based on this search. The evidence from the literature, in combination with allele frequency data from public databases where available, was sufficient to determine this variant is unlikely to cause disease. Therefore, this variant is classified as likely benign.

Literature cited by the submitters: PubMed 10751669 (cited by Illumina Laboratory Services, Illumina); PubMed 9600457 (cited by Illumina Laboratory Services, Illumina); PubMed 10980526 (cited by Illumina Laboratory Services, Illumina).

NM_004004.6(GJB2):c.546G>A (p.Val182=)

Gene: GJB2 (gap junction protein beta 2; minus strand). Cytogenetic location: 13q12.11.
Variant type: single nucleotide variant.
Coding change: c.546G>A on transcript NM_004004.6 (MANE Select); coding-DNA position 546, G replaced by A.
Protein change: p.Val182=; no amino-acid change (valine 182 retained).
Molecular consequence: synonymous variant.
Genome position (GRCh38, 1-based): chr13:20,189,036, C>T on the plus strand (G>A on the coding strand, the complement: GJB2 is on the minus strand). VCF-style: chr13-20189036-C-T. GRCh37 (hg19) VCF-style: chr13-20763175-C-T.
Identifiers: ClinVar variation 882641 (VCV000882641.13), dbSNP rs752236261, ClinGen allele CA6904240.
Genomic context (GRCh38, chr13:20,189,036, plus strand): 5'-GCAAATTCCAGACACTGCAATCATGAACACTGTGAAGACAGTCTTCTCCGTGGGCCGGGA[C>T]ACAAAGCAGTCCACAGTGTTGGGACAAGGCCAGGCGTTGCACTTCACCAGCCGCTGCATG-3'
Protein context (NP_003995.2, residues 172-192): WPCPNTVDCF[Val182=]SRPTEKTVFT